The following is an entry in ClinVar:

NM_030632.3(ASXL3):c.2310G>C (p.Lys770Asn)

Gene: ASXL3 (ASXL transcriptional regulator 3; plus strand). Cytogenetic location: 18q12.1.
Variant type: single nucleotide variant.
Coding change: c.2310G>C on transcript NM_030632.3 (MANE Select); coding-DNA position 2310, G replaced by C.
Protein change: p.Lys770Asn; replaces lysine 770 with asparagine.
Molecular consequence: missense variant.
Genome position (GRCh38, 1-based): chr18:33,739,714, G>C. VCF-style: chr18-33739714-G-C. GRCh37 (hg19) VCF-style: chr18-31319678-G-C.
Other names: short protein forms K770N.
Identifiers: ClinVar variation 3361398 (VCV003361398.1).

ClinVar aggregate classification (germline): Uncertain significance (1 of 4 stars; one submission).

gnomAD v4.1: 1 of 1,613,856 alleles (0.000062%); highest among the groups gnomAD compares: South Asian, 0.0011%; no homozygotes.

Submission:

GeneDx
Classification: Uncertain significance. Last evaluated: 2023-07-27. Review status: criteria provided, single submitter. Criteria: GeneDx Variant Classification Process June 2021. Collection method: clinical testing. Allele origin: germline. Affected: yes.
Comment: Not observed at significant frequency in large population cohorts (gnomAD); In silico analysis supports that this missense variant does not alter protein structure/function; Has not been previously published as pathogenic or benign to our knowledge